The following is an entry in ClinVar:

NM_145167.3(PIGM):c.582G>T (p.Leu194=)

Gene: PIGM (phosphatidylinositol glycan anchor biosynthesis class M; minus strand). Cytogenetic location: 1q23.2.
Variant type: single nucleotide variant.
Coding change: c.582G>T on transcript NM_145167.3 (MANE Select); coding-DNA position 582, G replaced by T.
Protein change: p.Leu194=; no amino-acid change (leucine 194 retained).
Molecular consequence: synonymous variant.
Genome position (GRCh38, 1-based): chr1:160,031,158, C>A on the plus strand (G>T on the coding strand, the complement: PIGM is on the minus strand). VCF-style: chr1-160031158-C-A. GRCh37 (hg19) VCF-style: chr1-160000948-C-A.
Other names: p.Leu194=.
Identifiers: ClinVar variation 775618 (VCV000775618.13), dbSNP rs35060029, ClinGen allele CA1193011.

ClinVar aggregate classification (germline): Benign. Review status: criteria provided, multiple submitters, no conflicts (2 of 4 stars). 3 submissions from 3 submitters: Benign (3). Last evaluated 2026-01-27.

Conditions:
Hypercoagulability syndrome due to glycosylphosphatidylinositol deficiency (GPIBD1). Also called: GLYCOSYLPHOSPHATIDYLINOSITOL BIOSYNTHESIS DEFECT 1. Identifiers: Orphanet 83639, MedGen C5201145, MONDO:0012465, OMIM 610293.

Allele frequency attached by ClinVar (database versions not stated): ExAC 0.00258; gnomAD 0.00903 and 0.00980; 1000 Genomes Project 0.00919; 1000 Genomes Project 30x 0.00921; TOPMed 0.00925; ESP Exome Variant Server 0.01092.
gnomAD v4.1: 2,633 of 1,613,984 alleles (0.16%); highest among the groups gnomAD compares: African/African-American, 3.1%; 41 homozygotes.

Submissions (3):

Labcorp Genetics (formerly Invitae), Labcorp
Classification: Benign for Hypercoagulability syndrome due to glycosylphosphatidylinositol deficiency. Last evaluated: 2026-01-27. Review status: criteria provided, single submitter. Criteria: Invitae Variant Classification Sherloc (09022015). Collection method: clinical testing. Allele origin: germline.

Mayo Clinic Laboratories, Mayo Clinic
Classification: Benign. Last evaluated: 2023-05-05. Review status: criteria provided, single submitter. Criteria: ACMG Guidelines, 2015. Collection method: clinical testing. Allele origin: germline. Observed: 4 variant alleles.
Comment: BS1, BS2, BP4, BP7

Breakthrough Genomics
Classification: Benign. Review status: criteria provided, single submitter. Criteria: ACMG Guidelines, 2015. Collection method: not provided. Allele origin: germline. Inheritance: Autosomal recessive inheritance. Affected: yes.